The following is an entry in ClinVar:

ClinVar aggregate classification (germline): Likely benign (0 of 4 stars; one submission).

Conditions:
MEI1-related disorder. Also called: MEI1-related condition.

Allele frequency attached by ClinVar (database versions not stated): gnomAD 0.00009; TOPMed 0.00009; ExAC 0.00011; 1000 Genomes Project 30x 0.00016; ESP Exome Variant Server 0.00016; 1000 Genomes Project 0.00020.
gnomAD v4.1: 248 of 1,607,838 alleles (0.015%); highest among the groups gnomAD compares: Non-Finnish European, 0.019%; no homozygotes.

Submission:

PreventionGenetics, part of Exact Sciences
Classification: Likely benign for MEI1-related condition. Last evaluated: 2019-03-13. Review status: no assertion criteria provided. Collection method: clinical testing. Allele origin: germline.
Comment: This variant is classified as likely benign based on ACMG/AMP sequence variant interpretation guidelines (Richards et al. 2015 PMID: 25741868, with internal and published modifications).

NM_152513.4(MEI1):c.1101C>T (p.Ile367=)

Gene: MEI1 (meiotic double-stranded break formation protein 1; plus strand). Cytogenetic location: 22q13.2.
Variant type: single nucleotide variant.
Coding change: c.1101C>T on transcript NM_152513.4 (MANE Select); coding-DNA position 1101, C replaced by T.
Protein change: p.Ile367=; no amino-acid change (isoleucine 367 retained).
Molecular consequence: synonymous variant.
Genome position (GRCh38, 1-based): chr22:41,732,249, C>T. VCF-style: chr22-41732249-C-T. GRCh37 (hg19) VCF-style: chr22-42128253-C-T.
Identifiers: ClinVar variation 3046052 (VCV003046052.2), dbSNP rs199669858, ClinGen allele CA10260084.